The following is an entry in ClinVar:

NM_000059.4(BRCA2):c.9806G>C (p.Arg3269Thr)

Gene: BRCA2 (BRCA2 DNA repair associated; plus strand). Cytogenetic location: 13q13.1.
Variant type: single nucleotide variant.
Coding change: c.9806G>C on transcript NM_000059.4 (MANE Select); coding-DNA position 9806, G replaced by C.
Protein change: p.Arg3269Thr; replaces arginine 3269 with threonine.
Molecular consequence: missense variant.
Genome position (GRCh38, 1-based): chr13:32,398,319, G>C. VCF-style: chr13-32398319-G-C. GRCh37 (hg19) VCF-style: chr13-32972456-G-C.
Other names: short protein forms R3269T.
Identifiers: ClinVar variation 231757 (VCV000231757.16), dbSNP rs80359243, ClinGen allele CA10579847.

ClinVar aggregate classification (germline): Uncertain significance. Review status: criteria provided, multiple submitters, no conflicts (2 of 4 stars). 3 submissions from 3 submitters: Uncertain significance (3). Last evaluated 2023-11-15.

Conditions:
Hereditary cancer-predisposing syndrome. Also called: Neoplastic Syndromes, Hereditary; Tumor predisposition; Hereditary Cancer Syndrome; Hereditary neoplastic syndrome. Identifiers: Orphanet 140162, MedGen C0027672, MeSH D009386, MONDO:0015356.
Hereditary breast ovarian cancer syndrome. Also called: BRCA1- and BRCA2-Associated Hereditary Breast and Ovarian Cancer; Hereditary breast and ovarian cancer syndrome; Hereditary breast and ovarian cancer; Hereditary breast and ovarian cancer syndrome (HBOC); Breast and ovarian cancer; Hereditary breast and/or ovarian cancer syndrome. Identifiers: Orphanet 145, MedGen C0677776, MeSH D061325, MONDO:0003582. Disease mechanism: loss of function.

Submissions (3):

Ambry Genetics
Classification: Uncertain significance for Hereditary cancer-predisposing syndrome. Last evaluated: 2023-11-15. Review status: criteria provided, single submitter. Criteria: Ambry Variant Classification Scheme 2023. Collection method: clinical testing. Allele origin: germline.
Comment: The p.R3269T variant (also known as c.9806G>C and 10034G>C), located in coding exon 26 of the BRCA2 gene, results from a G to C substitution at nucleotide position 9806. The arginine at codon 3269 is replaced by threonine, an amino acid with similar properties. This amino acid position is not well conserved in available vertebrate species. In addition, this alteration is predicted to be tolerated by in silico analysis. Since supporting evidence is limited at this time, the clinical significance of p.R3269T remains unclear.

Labcorp Genetics (formerly Invitae), Labcorp
Classification: Uncertain significance for Hereditary breast ovarian cancer syndrome. Last evaluated: 2021-01-22. Review status: criteria provided, single submitter. Criteria: Invitae Variant Classification Sherloc (09022015). Collection method: clinical testing. Allele origin: germline.
Comment: This sequence change replaces arginine with threonine at codon 3269 of the BRCA2 protein (p.Arg3269Thr). The arginine residue is moderately conserved and there is a moderate physicochemical difference between arginine and threonine. This variant is not present in population databases (ExAC no frequency). This variant has been reported in individuals in the Leiden Open-source Variation Database (PMID: 21520333). ClinVar contains an entry for this variant (Variation ID: 231757). Algorithms developed to predict the effect of missense changes on protein structure and function (SIFT, PolyPhen-2, Align-GVGD) all suggest that this variant is likely to be disruptive, but these predictions have not been confirmed by published functional studies and their clinical significance is uncertain. In summary, the available evidence is currently insufficient to determine the role of this variant in disease. Therefore, it has been classified as a Variant of Uncertain Significance.

Quest Diagnostics Nichols Institute San Juan Capistrano
Classification: Uncertain significance. Last evaluated: 2018-01-28. Review status: criteria provided, single submitter. Criteria: Quest Diagnostics criteria. Collection method: clinical testing. Allele origin: germline.

Literature cited by the submitters: PubMed 21520333 (cited by Labcorp Genetics (formerly Invitae), Labcorp).